The following is an entry in ClinVar:

NM_000075.4(CDK4):c.629G>C (p.Arg210Pro)

Gene: CDK4 (cyclin dependent kinase 4; minus strand). Cytogenetic location: 12q14.1.
Variant type: single nucleotide variant.
Coding change: c.629G>C on transcript NM_000075.4 (MANE Select); coding-DNA position 629, G replaced by C.
Protein change: p.Arg210Pro; replaces arginine 210 with proline.
Molecular consequence: missense variant.
Genome position (GRCh38, 1-based): chr12:57,750,659, C>G on the plus strand (G>C on the coding strand, the complement: CDK4 is on the minus strand). VCF-style: chr12-57750659-C-G. GRCh37 (hg19) VCF-style: chr12-58144442-C-G.
Other names: short protein forms R210P.
Identifiers: ClinVar variation 236945 (VCV000236945.19), dbSNP rs373619077, ClinGen allele CA10583050.

ClinVar aggregate classification (germline): Conflicting classifications of pathogenicity. Review status: criteria provided, conflicting classifications (1 of 4 stars). 4 submissions from 4 submitters: Uncertain significance (3); Likely benign (1). Last evaluated 2025-11-28.

Conditions:
CDK4-related disorder. Also called: CDK4-related condition.
Familial melanoma. Also called: Hereditary cutaneous melanoma; Hereditary melanoma. Identifiers: Orphanet 618, MedGen C1512419, MONDO:0018961.
Hereditary cancer-predisposing syndrome. Also called: Neoplastic Syndromes, Hereditary; Hereditary neoplastic syndrome; Hereditary Cancer Syndrome; Tumor predisposition. Identifiers: Orphanet 140162, MedGen C0027672, MeSH D009386, MONDO:0015356.

Allele frequency attached by ClinVar (database versions not stated): TOPMed 0.00002; ESP Exome Variant Server 0.00008.
gnomAD v4.1: 24 of 1,609,130 alleles (0.0015%); highest among the groups gnomAD compares: Non-Finnish European, 0.002%; no homozygotes.

Submissions (4):

PreventionGenetics, part of Exact Sciences
Classification: Uncertain significance for CDK4-related condition. Last evaluated: 2025-11-28. Review status: criteria provided, single submitter. Criteria: ACMG Guidelines, 2015. Collection method: clinical testing. Allele origin: germline.
Comment: The CDK4 c.629G>C variant is predicted to result in the amino acid substitution p.Arg210Pro. To our knowledge, this variant has not been reported in the literature or in a large population database (gnomAD), indicating this variant is rare. This variant has conflicting interpretations of uncertain to likely benign in ClinVar (Variation ID: 236945). At this time, the clinical significance of this variant is uncertain due to the absence of conclusive functional and genetic evidence.

Labcorp Genetics (formerly Invitae), Labcorp
Classification: Uncertain significance for Familial melanoma. Last evaluated: 2025-11-11. Review status: criteria provided, single submitter. Criteria: Invitae Variant Classification Sherloc (09022015). Collection method: clinical testing. Allele origin: germline.
Comment: This sequence change replaces arginine, which is basic and polar, with proline, which is neutral and non-polar, at codon 210 of the CDK4 protein (p.Arg210Pro). This variant is not present in population databases (gnomAD no frequency). This variant has not been reported in the literature in individuals affected with CDK4-related conditions. ClinVar contains an entry for this variant (Variation ID: 236945). An algorithm developed to predict the effect of missense changes on protein structure and function (PolyPhen-2) suggests that this variant is likely to be disruptive. In summary, the available evidence is currently insufficient to determine the role of this variant in disease. Therefore, it has been classified as a Variant of Uncertain Significance.

Ambry Genetics
Classification: Likely benign for Hereditary cancer-predisposing syndrome. Last evaluated: 2024-03-21. Review status: criteria provided, single submitter. Criteria: Ambry Variant Classification Scheme 2023. Collection method: clinical testing. Allele origin: germline.

GeneDx
Classification: Uncertain significance. Last evaluated: 2023-08-07. Review status: criteria provided, single submitter. Criteria: GeneDx Variant Classification Process June 2021. Collection method: clinical testing. Allele origin: germline. Affected: yes.
Comment: Not observed at significant frequency in large population cohorts (gnomAD); In silico analysis supports that this missense variant has a deleterious effect on protein structure/function; Has not been previously published as pathogenic or benign to our knowledge; This variant is associated with the following publications: (PMID: 26252490, 37111276)

Literature cited by the submitters: PubMed 26252490 (cited by Ambry Genetics).